The following is an entry in ClinVar:

NM_000264.5(PTCH1):c.3259A>G (p.Ile1087Val)

Gene: PTCH1 (patched 1; minus strand). Cytogenetic location: 9q22.32.
Variant type: single nucleotide variant.
Coding change: c.3259A>G on transcript NM_000264.5 (MANE Select); coding-DNA position 3259, A replaced by G.
Protein change: p.Ile1087Val; replaces isoleucine 1087 with valine.
Molecular consequence: missense variant. On other transcripts: non-coding transcript variant (1).
Genome position (GRCh38, 1-based): chr9:95,456,323, T>C on the plus strand (A>G on the coding strand, the complement: PTCH1 is on the minus strand). VCF-style: chr9-95456323-T-C. GRCh37 (hg19) VCF-style: chr9-98218605-T-C.
Other names: c.3259A>G (NM_000264.3); c.3061A>G, p.Ile1021Val (NM_001083602.3); c.3256A>G, p.Ile1086Val (NM_001083603.3); c.2806A>G, p.Ile936Val (NM_001083604.3, NM_001083605.3, NM_001083606.3 and 1 more transcripts); c.3103A>G, p.Ile1035Val (NM_001354918.2); short protein forms I1086V, I1035V, I1087V, I936V, I1021V.
Identifiers: ClinVar variation 1354771 (VCV001354771.8), dbSNP rs2136648402, ClinGen allele CA374112048.

ClinVar aggregate classification (germline): Uncertain significance. Review status: criteria provided, multiple submitters, no conflicts (2 of 4 stars). 2 submissions from 2 submitters: Uncertain significance (2). Last evaluated 2023-07-10.

Conditions:
Hereditary cancer-predisposing syndrome. Also called: Hereditary Cancer Syndrome; Hereditary neoplastic syndrome; Tumor predisposition; Neoplastic Syndromes, Hereditary. Identifiers: Orphanet 140162, MedGen C0027672, MeSH D009386, MONDO:0015356.
Gorlin syndrome. Also called: Basal cell nevus syndrome; Nevoid Basal Cell Carcinoma Syndrome. Identifiers: Orphanet 377, MedGen C0004779, MONDO:0007187.

Submissions (2):

Ambry Genetics
Classification: Uncertain significance for Hereditary cancer-predisposing syndrome. Last evaluated: 2023-07-10. Review status: criteria provided, single submitter. Criteria: Ambry Variant Classification Scheme 2023. Collection method: clinical testing. Allele origin: germline.
Comment: The p.I1087V variant (also known as c.3259A>G), located in coding exon 19 of the PTCH1 gene, results from an A to G substitution at nucleotide position 3259. The isoleucine at codon 1087 is replaced by valine, an amino acid with highly similar properties. This amino acid position is conserved. In addition, the in silico prediction for this alteration is inconclusive. Since supporting evidence is limited at this time, the clinical significance of this alteration remains unclear.

Labcorp Genetics (formerly Invitae), Labcorp
Classification: Uncertain significance for Gorlin syndrome. Last evaluated: 2021-12-06. Review status: criteria provided, single submitter. Criteria: Invitae Variant Classification Sherloc (09022015). Collection method: clinical testing. Allele origin: germline.
Comment: This sequence change replaces isoleucine, which is neutral and non-polar, with valine, which is neutral and non-polar, at codon 1087 of the PTCH1 protein (p.Ile1087Val). This variant is not present in population databases (gnomAD no frequency). This variant has not been reported in the literature in individuals affected with PTCH1-related conditions. Advanced modeling of protein sequence and biophysical properties (such as structural, functional, and spatial information, amino acid conservation, physicochemical variation, residue mobility, and thermodynamic stability) performed at Invitae indicates that this missense variant is not expected to disrupt PTCH1 protein function. In summary, the available evidence is currently insufficient to determine the role of this variant in disease. Therefore, it has been classified as a Variant of Uncertain Significance.